The following is an entry in ClinVar:

NM_000059.4(BRCA2):c.2357C>T (p.Ser786Phe)

Gene: BRCA2 (BRCA2 DNA repair associated; plus strand). Cytogenetic location: 13q13.1.
Variant type: single nucleotide variant.
Coding change: c.2357C>T on transcript NM_000059.4 (MANE Select); coding-DNA position 2357, C replaced by T.
Protein change: p.Ser786Phe; replaces serine 786 with phenylalanine.
Molecular consequence: missense variant.
Genome position (GRCh38, 1-based): chr13:32,336,712, C>T. VCF-style: chr13-32336712-C-T. GRCh37 (hg19) VCF-style: chr13-32910849-C-T.
Other names: c.2357C>T, p.Ser786Phe (NM_001406719.1, NM_001406720.1); short protein forms S786F.
Identifiers: ClinVar variation 1716561 (VCV001716561.7), dbSNP rs80358501, ClinGen allele CA387771690.
Genomic context (GRCh38, chr13:32,336,712, plus strand): 5'-CCAGCACTCTTATTTTAACTCCTACTTCCAAGGATGTTCTGTCAAACCTAGTCATGATTT[C>T]TAGAGGCAAAGAATCATACAAAATGTCAGACAAGCTCAAAGGTAACAATTATGAATCTGA-3'
Protein context (NP_000050.3, residues 776-796): KDVLSNLVMI[Ser786Phe]RGKESYKMSD

ClinVar aggregate classification (germline): Conflicting classifications of pathogenicity. Review status: criteria provided, conflicting classifications (1 of 4 stars). 2 submissions from 2 submitters: Uncertain significance (1); Likely benign (1). Last evaluated 2023-07-29.

Conditions:
Hereditary breast ovarian cancer syndrome. Also called: Hereditary breast and ovarian cancer syndrome; Hereditary breast and ovarian cancer syndrome (HBOC); Breast and ovarian cancer; Hereditary breast and/or ovarian cancer syndrome; Hereditary breast and ovarian cancer; BRCA1- and BRCA2-Associated Hereditary Breast and Ovarian Cancer. Identifiers: Orphanet 145, MedGen C0677776, MeSH D061325, MONDO:0003582. Disease mechanism: loss of function.
Hereditary cancer-predisposing syndrome. Also called: Neoplastic Syndromes, Hereditary; Tumor predisposition; Hereditary Cancer Syndrome; Hereditary neoplastic syndrome. Identifiers: Orphanet 140162, MedGen C0027672, MeSH D009386, MONDO:0015356.

Submissions (2):

Labcorp Genetics (formerly Invitae), Labcorp
Classification: Uncertain significance for Hereditary breast ovarian cancer syndrome. Last evaluated: 2023-07-29. Review status: criteria provided, single submitter. Criteria: Invitae Variant Classification Sherloc (09022015). Collection method: clinical testing. Allele origin: germline.
Comment: ClinVar contains an entry for this variant (Variation ID: 1716561). In summary, the available evidence is currently insufficient to determine the role of this variant in disease. Therefore, it has been classified as a Variant of Uncertain Significance. Advanced modeling of protein sequence and biophysical properties (such as structural, functional, and spatial information, amino acid conservation, physicochemical variation, residue mobility, and thermodynamic stability) performed at Invitae indicates that this missense variant is not expected to disrupt BRCA2 protein function. This variant has not been reported in the literature in individuals affected with BRCA2-related conditions. This variant is not present in population databases (gnomAD no frequency). This sequence change replaces serine, which is neutral and polar, with phenylalanine, which is neutral and non-polar, at codon 786 of the BRCA2 protein (p.Ser786Phe).

University of Washington Department of Laboratory Medicine, University of Washington
Classification: Likely benign for Hereditary cancer-predisposing syndrome. Last evaluated: 2023-03-23. Review status: criteria provided, single submitter. Criteria: Dines et al. (Genet Med. 2020). Collection method: curation. Allele origin: germline.
Comment: Missense variant in a coldspot region where missense variants are very unlikely to be pathogenic (PMID:31911673).

BRCA2 exon 11 coldspot. Reclassification based on statistical prior probability.